The following is an entry in ClinVar:

ClinVar aggregate classification (germline): Conflicting classifications of pathogenicity. Review status: criteria provided, conflicting classifications (1 of 4 stars). 4 submissions from 4 submitters: Uncertain significance (1); Likely benign (2). 1 of the submissions does not count toward it. Last evaluated 2026-01-20.

Conditions:
Peroxisome biogenesis disorder 2B (PBD2B). Identifiers: Orphanet 44, MedGen C3550234, MONDO:0008736, OMIM 202370.
PEX5-related disorder. Also called: PEX5-related condition; PEX5-Related Disorders.

Allele frequency attached by ClinVar (database versions not stated): TOPMed 0.00004; ESP Exome Variant Server 0.00008.
gnomAD v4.1: 178 of 1,614,102 alleles (0.011%); highest among the groups gnomAD compares: Non-Finnish European, 0.014%; no homozygotes.

Submissions (4):

Labcorp Genetics (formerly Invitae), Labcorp
Classification: Likely benign for Peroxisome biogenesis disorder 2B. Last evaluated: 2026-01-20. Review status: criteria provided, single submitter. Criteria: Invitae Variant Classification Sherloc (09022015). Collection method: clinical testing. Allele origin: germline.

Mayo Clinic Laboratories, Mayo Clinic
Classification: Likely benign. Last evaluated: 2025-09-25. Review status: criteria provided, single submitter. Criteria: ACMG Guidelines, 2015. Collection method: clinical testing. Allele origin: germline. Observed: 1 variant allele.
Comment: BP4, BP7

Eurofins Ntd Llc (ga)
Classification: Uncertain significance. Last evaluated: 2018-07-05. Review status: criteria provided, single submitter. Criteria: EGL ClinVar v180209 classification definitions. Collection method: clinical testing. Allele origin: germline. Observed: 1 variant allele, 1 heterozygote.

PreventionGenetics, part of Exact Sciences
Classification: Likely benign for PEX5-related condition. Last evaluated: 2020-05-11. Review status: no assertion criteria provided. Collection method: clinical testing. Allele origin: germline. Not counted in ClinVar's aggregate classification.
Comment: This variant is classified as likely benign based on ACMG/AMP sequence variant interpretation guidelines (Richards et al. 2015 PMID: 25741868, with internal and published modifications).

NM_001351132.2(PEX5):c.48G>A (p.Pro16=)

Gene: PEX5 (peroxisomal biogenesis factor 5; plus strand). Cytogenetic location: 12p13.31.
Variant type: single nucleotide variant.
Coding change: c.48G>A on transcript NM_001351132.2 (MANE Select); coding-DNA position 48, G replaced by A.
Protein change: p.Pro16=; no amino-acid change (proline 16 retained).
Molecular consequence: synonymous variant.
Genome position (GRCh38, 1-based): chr12:7,190,425, G>A. VCF-style: chr12-7190425-G-A. GRCh37 (hg19) VCF-style: chr12-7343021-G-A.
Other names: p.Pro16=; c.48G>A (NM_001131023.1, NM_001131025.1); c.48G>A, p.Pro16= (NM_000319.5, NM_001131023.2, NM_001131024.2 and 22 more transcripts).
Identifiers: ClinVar variation 597925 (VCV000597925.15), dbSNP rs147958315, ClinGen allele CA6425980.
Genomic context (GRCh38, chr12:7,190,425, plus strand): 5'-GCTGGCGGTCACCATGGCAATGCGGGAGCTGGTGGAGGCCGAATGCGGGGGTGCCAACCC[G>A]CTCATGAAGCTCGCCGGGCACTTCACCCAGGACAAGGCCCTTCGGCAGGAGGGATTGAGG-3'
Protein context (NP_001338061.1, residues 6-26): LVEAECGGAN[Pro16=]LMKLAGHFTQ